The following is an entry in ClinVar:

NM_022367.4(SEMA4A):c.2228G>A (p.Arg743Lys)

Gene: SEMA4A (semaphorin 4A; plus strand). Cytogenetic location: 1q22.
Variant type: single nucleotide variant.
Coding change: c.2228G>A on transcript NM_022367.4 (MANE Select); coding-DNA position 2228, G replaced by A.
Protein change: p.Arg743Lys; replaces arginine 743 with lysine.
Molecular consequence: missense variant.
Genome position (GRCh38, 1-based): chr1:156,176,939, G>A. VCF-style: chr1-156176939-G-A. GRCh37 (hg19) VCF-style: chr1-156146730-G-A.
Other names: c.2228G>A, p.Arg743Lys (NM_001193300.2, NM_001193301.2, NM_001370567.1); c.1832G>A, p.Arg611Lys (NM_001193302.2); c.1931G>A, p.Arg644Lys (NM_001370568.1); c.1721G>A, p.Arg574Lys (NM_001370569.1, NM_001370571.1); short protein forms R743K, R611K, R574K, R644K.
Identifiers: ClinVar variation 1488260 (VCV001488260.6), dbSNP rs2103015866, ClinGen allele CA342813909.
Genomic context (GRCh38, chr1:156,176,939, plus strand): 5'-GCCCTGGGGAGAAGGCCCCGTTAAGCAGAGAGCAACACCTCCAGTCTCCCAAGGAATGCA[G>A]GACCTCTGCCAGTGATGTGGACGCTGACAACAACTGCCTAGGCACTGAGGTAGCTTAAAC-3'
Protein context (NP_071762.2, residues 733-753): EQHLQSPKEC[Arg743Lys]TSASDVDADN

ClinVar aggregate classification (germline): Uncertain significance (1 of 4 stars; one submission).

Submission:

Labcorp Genetics (formerly Invitae), Labcorp
Classification: Uncertain significance. Last evaluated: 2021-09-03. Review status: criteria provided, single submitter. Criteria: Invitae Variant Classification Sherloc (09022015). Collection method: clinical testing. Allele origin: germline.
Comment: In summary, the available evidence is currently insufficient to determine the role of this variant in disease. Therefore, it has been classified as a Variant of Uncertain Significance. Algorithms developed to predict the effect of missense changes on protein structure and function are either unavailable or do not agree on the potential impact of this missense change (SIFT: "Deleterious"; PolyPhen-2: "Benign"; Align-GVGD: "Class C0"). This variant has not been reported in the literature in individuals affected with SEMA4A-related conditions. This variant is not present in population databases (ExAC no frequency). This sequence change replaces arginine with lysine at codon 743 of the SEMA4A protein (p.Arg743Lys). The arginine residue is moderately conserved and there is a small physicochemical difference between arginine and lysine.